The following is an entry in ClinVar:

ClinVar aggregate classification (germline): Likely pathogenic (1 of 4 stars; one submission).

Conditions:
Nephronophthisis 12 (NPHP12). Identifiers: Orphanet 655, MedGen C3151186, MONDO:0013442, OMIM 613820.

Submission:

3billion
Classification: Likely pathogenic for Nephronophthisis 12. Last evaluated: 2024-11-26. Review status: criteria provided, single submitter. Criteria: ACMG Guidelines, 2015. Collection method: clinical testing. Allele origin: germline. Affected: yes.
Comment: The variant is observed at an extremely low frequency in the gnomAD v4.1.0 dataset (total allele frequency: <0.001%). Predicted Consequence/Location: Frameshift: predicted to result in a loss or disruption of normal protein function through nonsense-mediated decay (NMD) or protein truncation. Multiple pathogenic variants are reported downstream of the variant. Therefore, this variant is classified as Likely pathogenic according to the recommendation of ACMG/AMP guideline.

NM_024753.5(TTC21B):c.572del (p.Arg191fs)

Genes: TTC21B (tetratricopeptide repeat domain 21B; minus strand), TTC21B-AS1 (TTC21B antisense RNA 1; plus strand). Cytogenetic location: 2q24.3.
Variant type: Deletion.
Coding change: c.572del on transcript NM_024753.5 (MANE Select); coding-DNA position 572, one base deleted (G; older notation c.572delG).
Protein change: p.Arg191fs; shifts the reading frame from arginine 191.
Molecular consequence: frameshift variant.
Genome position (GRCh38, 1-based): chr2:165,941,165, C deleted on the plus strand (G on the coding strand, the reverse complement: TTC21B is on the minus strand). VCF-style (leftmost placement, unchanged base first): chr2-165941164-GC-G. GRCh37 (hg19) VCF-style: chr2-166797674-GC-G.
Other names: short protein forms R191fs.
Identifiers: ClinVar variation 4293733 (VCV004293733.1).